The following is an entry in ClinVar:

NM_004068.4(AP2M1):c.708C>T (p.Ser236=)

Gene: AP2M1 (adaptor related protein complex 2 subunit mu 1; plus strand). Cytogenetic location: 3q27.1.
Variant type: single nucleotide variant.
Coding change: c.708C>T on transcript NM_004068.4 (MANE Select); coding-DNA position 708, C replaced by T.
Protein change: p.Ser236=; no amino-acid change (serine 236 retained).
Molecular consequence: synonymous variant.
Genome position (GRCh38, 1-based): chr3:184,181,696, C>T. VCF-style: chr3-184181696-C-T. GRCh37 (hg19) VCF-style: chr3-183899484-C-T.
Other names: c.702C>T, p.Ser234= (NM_001025205.2); c.783C>T, p.Ser261= (NM_001311198.2).
Identifiers: ClinVar variation 1895991 (VCV001895991.5), dbSNP rs767715842, ClinGen allele CA2727803.
Genomic context (GRCh38, chr3:184,181,696, plus strand): 5'-CCCAGCATGACAGCTGTCATTCTCCTGTACCAATGAGACCTCTTCTGCCCCTGCTTGCAG[C>T]GGGAAGCAATCAATTGCCATTGATGACTGCACCTTCCACCAGTGTGTGCGACTCAGCAAG-3'
Protein context (NP_004059.2, residues 226-246): GKGTADETSK[Ser236=]GKQSIAIDDC

ClinVar aggregate classification (germline): Uncertain significance (1 of 4 stars; one submission).

Allele frequency attached by ClinVar (database versions not stated): TOPMed below 0.00001; ExAC 0.00001; gnomAD exomes 0.00002; gnomAD 0.00003.
gnomAD v4.1: 32 of 1,613,666 alleles (0.002%); highest among the groups gnomAD compares: African/African-American, 0.004%; no homozygotes.

Submission:

Labcorp Genetics (formerly Invitae), Labcorp
Classification: Uncertain significance. Last evaluated: 2025-05-17. Review status: criteria provided, single submitter. Criteria: Invitae Variant Classification Sherloc (09022015). Collection method: clinical testing. Allele origin: germline.
Comment: This sequence change affects codon 236 of the AP2M1 mRNA. It is a 'silent' change, meaning that it does not change the encoded amino acid sequence of the AP2M1 protein. It affects a nucleotide within the consensus splice site. This variant is present in population databases (rs767715842, gnomAD 0.01%). This variant has not been reported in the literature in individuals affected with AP2M1-related conditions. ClinVar contains an entry for this variant (Variation ID: 1895991). Algorithms developed to predict the effect of sequence changes on RNA splicing suggest that this variant is not likely to affect RNA splicing. In summary, the available evidence is currently insufficient to determine the role of this variant in disease. Therefore, it has been classified as a Variant of Uncertain Significance.